The following is an entry in ClinVar:

NM_022041.4(GAN):c.581A>T (p.Tyr194Phe)

Gene: GAN (gigaxonin; plus strand). Cytogenetic location: 16q23.2.
Variant type: single nucleotide variant.
Coding change: c.581A>T on transcript NM_022041.4 (MANE Select); coding-DNA position 581, A replaced by T.
Protein change: p.Tyr194Phe; replaces tyrosine 194 with phenylalanine.
Molecular consequence: missense variant. On other transcripts: 5 prime UTR variant (1).
Genome position (GRCh38, 1-based): chr16:81,354,703, A>T. VCF-style: chr16-81354703-A-T. GRCh37 (hg19) VCF-style: chr16-81388308-A-T.
Other names: c.-59A>T (NM_001377486.1); short protein forms Y194F.
Identifiers: ClinVar variation 572400 (VCV000572400.6), dbSNP rs1567491555, ClinGen allele CA396869086.
Genomic context (GRCh38, chr16:81,354,703, plus strand): 5'-GTCCTCAAAAGCTTAAAGAAGTGATTTCTCTTGAGAAGTTAAACGTTGGCAATGAAAGAT[A>T]TGTCTTTGAAGCAGTAATTCGATGGATAGCACATGATACAGAAATAAGAAAGGTACCTGT-3'
Protein context (NP_071324.1, residues 184-204): LEKLNVGNER[Tyr194Phe]VFEAVIRWIA

ClinVar aggregate classification (germline): Uncertain significance (1 of 4 stars; one submission).

Conditions:
Giant axonal neuropathy 1 (GAN1). Also called: GIANT AXONAL NEUROPATHY 1, AUTOSOMAL RECESSIVE; GAN-Related Neurodegeneration. Identifiers: Orphanet 643, MedGen C1850386, MONDO:0009749, OMIM 256850.

gnomAD v4.1: 2 of 1,612,820 alleles (0.00012%); highest among the groups gnomAD compares: Admixed American, 0.0033%; no homozygotes.

Submission:

Labcorp Genetics (formerly Invitae), Labcorp
Classification: Uncertain significance for Giant axonal neuropathy 1. Last evaluated: 2022-06-04. Review status: criteria provided, single submitter. Criteria: Invitae Variant Classification Sherloc (09022015). Collection method: clinical testing. Allele origin: germline.
Comment: This sequence change replaces tyrosine, which is neutral and polar, with phenylalanine, which is neutral and non-polar, at codon 194 of the GAN protein (p.Tyr194Phe). This variant is not present in population databases (gnomAD no frequency). This variant has not been reported in the literature in individuals affected with GAN-related conditions. ClinVar contains an entry for this variant (Variation ID: 572400). Algorithms developed to predict the effect of missense changes on protein structure and function (SIFT, PolyPhen-2, Align-GVGD) all suggest that this variant is likely to be tolerated. In summary, the available evidence is currently insufficient to determine the role of this variant in disease. Therefore, it has been classified as a Variant of Uncertain Significance.